The following is an entry in ClinVar:

ClinVar aggregate classification (germline): Pathogenic (1 of 4 stars; one submission).

Conditions:
Cockayne syndrome type 1. Also called: Cockayne syndrome type I; Cockayne syndrome classical; Cockayne syndrome classic form. Identifiers: Orphanet 191, Orphanet 90321, MedGen C0751039, MONDO:0019569, OMIM 216400.

Submission:

Medical Molecular Genetics Department, National Research Center
Classification: Pathogenic for Cockayne syndrome type 1. Last evaluated: 2025-01-01. Review status: criteria provided, single submitter. Criteria: ACMG Guidelines, 2015. Collection method: research. Allele origin: germline. Affected: yes. Observed: 3 variant alleles.
Comment: The ERCC8(NM_000082.4):c.[598del;600T>A], also known as c.598_600delTATinsAA, p.(Tyr200LysfsTer12) is a frameshift variant resulting in a premature termination codon, predicted to cause a truncation of the encoded protein or absence of the protein due to nonsense mediated decay in a gene where loss-of-function is a known disease mechanism (PVS1). This variant is absent from large population cohorts (gnomAD; PM2). It was identified in three related proband diagnosed with Cockayne syndrome which represents a highly specific phenotype for ERCC8-related disease (PP4).This variant was found to segregate with disease in additional affected family members (PP1). Prevalence in affected individuals significantly increased compared to controls as shown in published studies (PMID: 35248096, PMID: 19894250, PMID: 28258862)(PS4). In summary, this variant meets criteria to be classified as pathogenic for Cockayne syndrome based on the ACMG criteria: PVS1, PS4, PM2, PP1 and PP4.

Literature cited by the submitters: PubMed 35248096; PubMed 19894250; PubMed 28258862.

NM_000082.4(ERCC8):c.[598del;600T>A]

Variant type: Haplotype.
Identifiers: ClinVar variation 4813976 (VCV004813976.1).